The following is an entry in ClinVar:

ClinVar aggregate classification (germline): Uncertain significance. Review status: criteria provided, multiple submitters, no conflicts (2 of 4 stars). 5 submissions from 5 submitters: Uncertain significance (5). Last evaluated 2024-02-23.

Conditions:
Hereditary cancer-predisposing syndrome. Also called: Tumor predisposition; Hereditary neoplastic syndrome; Neoplastic Syndromes, Hereditary; Hereditary Cancer Syndrome. Identifiers: Orphanet 140162, MedGen C0027672, MeSH D009386, MONDO:0015356.
Familial cancer of breast. Also called: Hereditary breast cancer; BREAST CANCER, FAMILIAL; hereditary breast carcinoma. Identifiers: Orphanet 227535, MedGen C0346153, MONDO:0016419, OMIM 114480. Disease mechanism: loss of function.
Fanconi anemia complementation group J. Also called: BRIP1-Related Fanconi Anemia. Identifiers: Orphanet 84, MedGen C1836860, MONDO:0012187, OMIM 609054.

Allele frequency attached by ClinVar (database versions not stated): gnomAD exomes below 0.00001; TOPMed below 0.00001.
gnomAD v4.1: 2 of 1,613,972 alleles (0.00012%); highest among the groups gnomAD compares: Admixed American, 0.0017%; no homozygotes.

Submissions (5):

Ambry Genetics
Classification: Uncertain significance for Hereditary cancer-predisposing syndrome. Last evaluated: 2024-02-23. Review status: criteria provided, single submitter. Criteria: Ambry Variant Classification Scheme 2023. Collection method: clinical testing. Allele origin: germline.
Comment: The p.G120D variant (also known as c.359G>A), located in coding exon 3 of the BRIP1 gene, results from a G to A substitution at nucleotide position 359. The glycine at codon 120 is replaced by aspartic acid, an amino acid with similar properties. This amino acid position is poorly conserved in available vertebrate species. In addition, this alteration is predicted to be tolerated by in silico analysis. Since supporting evidence is limited at this time, the clinical significance of this alteration remains unclear.

Labcorp Genetics (formerly Invitae), Labcorp
Classification: Uncertain significance for Familial cancer of breast; Fanconi anemia complementation group J. Last evaluated: 2023-12-07. Review status: criteria provided, single submitter. Criteria: Invitae Variant Classification Sherloc (09022015). Collection method: clinical testing. Allele origin: germline.
Comment: This sequence change replaces glycine, which is neutral and non-polar, with aspartic acid, which is acidic and polar, at codon 120 of the BRIP1 protein (p.Gly120Asp). This variant is present in population databases (rs730881637, gnomAD 0.003%). This variant has not been reported in the literature in individuals affected with BRIP1-related conditions. ClinVar contains an entry for this variant (Variation ID: 182350). Advanced modeling of protein sequence and biophysical properties (such as structural, functional, and spatial information, amino acid conservation, physicochemical variation, residue mobility, and thermodynamic stability) performed at Invitae indicates that this missense variant is not expected to disrupt BRIP1 protein function with a negative predictive value of 80%. In summary, the available evidence is currently insufficient to determine the role of this variant in disease. Therefore, it has been classified as a Variant of Uncertain Significance.

Genetics and Molecular Pathology, SA Pathology
Classification: Uncertain significance for Familial cancer of breast. Last evaluated: 2021-03-14. Review status: criteria provided, single submitter. Criteria: ACMG Guidelines, 2015. Collection method: clinical testing. Allele origin: germline. Affected: yes.

Color Diagnostics, LLC DBA Color Health
Classification: Uncertain significance for Hereditary cancer-predisposing syndrome. Last evaluated: 2019-04-24. Review status: criteria provided, single submitter. Criteria: ACMG Guidelines, 2015. Collection method: clinical testing. Allele origin: germline.

GeneDx
Classification: Uncertain significance. Last evaluated: 2016-03-31. Review status: criteria provided, single submitter. Criteria: GeneDx Variant Classification (06012015). Collection method: clinical testing. Allele origin: germline. Affected: yes.
Comment: This variant is denoted BRIP1 c.359G>A at the cDNA level, p.Gly120Asp (G120D) at the protein level, and results in the change of a Glycine to an Aspartic acid (GGC>GAC). This variant has not, to our knowledge, been published in the literature as pathogenic or benign. This variant was not observed in approximately 6,500 individuals of European and African American ancestry in the NHLBI Exome Sequencing Project, suggesting it is not a common benign variant in these populations. Since Glycine and Aspartic Acid differ in polarity, charge, size or other properties, this is considered a non-conservative amino acid substitution. BRIP1 Gly120Asp occurs at a position that is not conserved and is located in the helicase ATP-binding domain (Cantor 2011, UniProt). In silico analyses predict that this variant is unlikely to alter protein structure or function. Based on currently available information, it is unclear whether BRIP1 Gly120Asp is pathogenic or benign. We consider it to be a variant of uncertain significance.

NM_032043.3(BRIP1):c.359G>A (p.Gly120Asp)

Gene: BRIP1 (BRCA1 interacting DNA helicase 1; minus strand). Cytogenetic location: 17q23.2.
Variant type: single nucleotide variant.
Coding change: c.359G>A on transcript NM_032043.3 (MANE Select); coding-DNA position 359, G replaced by A.
Protein change: p.Gly120Asp; replaces glycine 120 with aspartic acid.
Molecular consequence: missense variant.
Genome position (GRCh38, 1-based): chr17:61,857,078, C>T on the plus strand (G>A on the coding strand, the complement: BRIP1 is on the minus strand). VCF-style: chr17-61857078-C-T. GRCh37 (hg19) VCF-style: chr17-59934439-C-T.
Other names: p.G120D:GGC>GAC; short protein forms G120D.
Identifiers: ClinVar variation 182350 (VCV000182350.18), dbSNP rs730881637, ClinGen allele CA298884.